The following is an entry in ClinVar:

NM_001204.7(BMPR2):c.1311G>C (p.Gln437His)

Gene: BMPR2 (bone morphogenetic protein receptor type 2; plus strand). Cytogenetic location: 2q33.2.
Variant type: single nucleotide variant.
Coding change: c.1311G>C on transcript NM_001204.7 (MANE Select); coding-DNA position 1311, G replaced by C.
Protein change: p.Gln437His; replaces glutamine 437 with histidine.
Molecular consequence: missense variant.
Genome position (GRCh38, 1-based): chr2:202,542,345, G>C. VCF-style: chr2-202542345-G-C. GRCh37 (hg19) VCF-style: chr2-203407068-G-C.
Other names: short protein forms Q437H.
Identifiers: ClinVar variation 4867656 (VCV004867656.1).

ClinVar aggregate classification (germline): Uncertain significance (1 of 4 stars; one submission).

Conditions:
Inborn genetic diseases. Identifiers: MedGen C0950123, MeSH D030342.

Submission:

Ambry Genetics
Classification: Uncertain significance for Inborn genetic diseases. Last evaluated: 2026-06-06. Review status: criteria provided, single submitter. Criteria: Ambry Variant Classification Scheme 2023. Collection method: clinical testing. Allele origin: germline.
Comment: The p.Q437H variant (also known as c.1311G>C), located in coding exon 10 of the BMPR2 gene, results from a G to C substitution at nucleotide position 1311. The glutamine at codon 437 is replaced by histidine, an amino acid with highly similar properties. This amino acid position is conserved. In addition, the in silico prediction for this alteration is inconclusive. Based on the available evidence, the clinical significance of this variant remains unclear.